The following is an entry in ClinVar:

ClinVar aggregate classification (germline): Uncertain significance (1 of 4 stars; one submission).

gnomAD v4.1: 4 of 1,585,140 alleles (0.00025%); highest among the groups gnomAD compares: Non-Finnish European, 0.00035%; no homozygotes.

Submission:

Mayo Clinic Laboratories, Mayo Clinic
Classification: Uncertain significance. Last evaluated: 2025-09-25. Review status: criteria provided, single submitter. Criteria: ACMG Guidelines, 2015. Collection method: clinical testing. Allele origin: germline. Observed: 1 variant allele.
Comment: BP4_moderate

NM_001199138.2(NLRC4):c.2614A>G (p.Ile872Val)

Gene: NLRC4 (NLR family CARD domain containing 4; minus strand). Cytogenetic location: 2p22.3.
Variant type: single nucleotide variant.
Coding change: c.2614A>G on transcript NM_001199138.2 (MANE Select); coding-DNA position 2614, A replaced by G.
Protein change: p.Ile872Val; replaces isoleucine 872 with valine.
Molecular consequence: missense variant.
Genome position (GRCh38, 1-based): chr2:32,236,247, T>C on the plus strand (A>G on the coding strand, the complement: NLRC4 is on the minus strand). VCF-style: chr2-32236247-T-C. GRCh37 (hg19) VCF-style: chr2-32461316-T-C.
Other names: p.Ile872Val; c.2614A>G, p.Ile872Val (NM_001199139.2, NM_021209.5); c.619A>G, p.Ile207Val (NM_001302504.2); short protein forms I872V, I207V.
Identifiers: ClinVar variation 4540634 (VCV004540634.1).
Genomic context (GRCh38, chr2:32,236,247, plus strand): 5'-ATTTCGACTACCCAGTATACATATTCAAGTATCTAATTTTGGCTGAATTGTCATTCTTAC[T>C]CAGTTCATGAAGAGCTTCATTTCCATCTTTTTCCAGGTAATTTTCTGATAAATCAAGAAT-3'
Protein context (NP_001186067.1, residues 862-882): KDGNEALHEL[Ile872Val]DRMNVLEQLT